The following is an entry in ClinVar:

ClinVar aggregate classification (germline): Likely pathogenic (1 of 4 stars; one submission).

Conditions:
Familial hemiplegic migraine. Identifiers: MedGen C0338484, MONDO:0000700.

Submission:

Labcorp Genetics (formerly Invitae), Labcorp
Classification: Likely pathogenic for Familial hemiplegic migraine. Last evaluated: 2022-06-08. Review status: criteria provided, single submitter. Criteria: Invitae Variant Classification Sherloc (09022015). Collection method: clinical testing. Allele origin: germline.
Comment: In summary, the currently available evidence indicates that the variant is pathogenic, but additional data are needed to prove that conclusively. Therefore, this variant has been classified as Likely Pathogenic. This variant disrupts the p.Arg834 amino acid residue in ATP1A2. Other variant(s) that disrupt this residue have been determined to be pathogenic (PMID: 16088919; Invitae). This suggests that this residue is clinically significant, and that variants that disrupt this residue are likely to be disease-causing. Advanced modeling of protein sequence and biophysical properties (such as structural, functional, and spatial information, amino acid conservation, physicochemical variation, residue mobility, and thermodynamic stability) performed at Invitae indicates that this missense variant is expected to disrupt ATP1A2 protein function. This variant has not been reported in the literature in individuals affected with ATP1A2-related conditions. This variant is not present in population databases (gnomAD no frequency). This sequence change replaces arginine, which is basic and polar, with leucine, which is neutral and non-polar, at codon 834 of the ATP1A2 protein (p.Arg834Leu).

Literature cited by the submitters: PubMed 16088919.

NM_000702.4(ATP1A2):c.2501G>T (p.Arg834Leu)

Gene: ATP1A2 (ATPase Na+/K+ transporting subunit alpha 2; plus strand). Cytogenetic location: 1q23.2.
Variant type: single nucleotide variant.
Coding change: c.2501G>T on transcript NM_000702.4 (MANE Select); coding-DNA position 2501, G replaced by T.
Protein change: p.Arg834Leu; replaces arginine 834 with leucine.
Molecular consequence: missense variant.
Genome position (GRCh38, 1-based): chr1:160,136,308, G>T. VCF-style: chr1-160136308-G-T. GRCh37 (hg19) VCF-style: chr1-160106098-G-T.
Other names: short protein forms R834L.
Identifiers: ClinVar variation 2003217 (VCV002003217.4), dbSNP rs2101995864, ClinGen allele CA343251447.